The following is an entry in ClinVar:

ClinVar aggregate classification (germline): Uncertain significance. Review status: criteria provided, multiple submitters, no conflicts (2 of 4 stars). 2 submissions from 2 submitters: Uncertain significance (2). Last evaluated 2025-06-17.

Allele frequency attached by ClinVar (database versions not stated): gnomAD 0.00001; TOPMed 0.00001; ExAC 0.00007.
gnomAD v4.1: 14 of 1,579,114 alleles (0.00089%); highest among the groups gnomAD compares: East Asian, 0.03%; no homozygotes.

Submissions (2):

Labcorp Genetics (formerly Invitae), Labcorp
Classification: Uncertain significance. Last evaluated: 2025-06-17. Review status: criteria provided, single submitter. Criteria: Invitae Variant Classification Sherloc (09022015). Collection method: clinical testing. Allele origin: germline.
Comment: This sequence change replaces threonine, which is neutral and polar, with alanine, which is neutral and non-polar, at codon 18 of the IL6ST protein (p.Thr18Ala). This variant is present in population databases (rs781455079, gnomAD 0.08%). This variant has not been reported in the literature in individuals affected with IL6ST-related conditions. ClinVar contains an entry for this variant (Variation ID: 2182861). An algorithm developed to predict the effect of missense changes on protein structure and function outputs the following: PolyPhen-2: "Benign". The alanine amino acid residue is found in multiple mammalian species, which suggests that this missense change does not adversely affect protein function. In summary, the available evidence is currently insufficient to determine the role of this variant in disease. Therefore, it has been classified as a Variant of Uncertain Significance.

Ambry Genetics
Classification: Uncertain significance. Last evaluated: 2024-05-13. Review status: criteria provided, single submitter. Criteria: Ambry Variant Classification Scheme 2023. Collection method: clinical testing. Allele origin: germline.

NM_002184.4(IL6ST):c.52A>G (p.Thr18Ala)

Gene: IL6ST (interleukin 6 cytokine family signal transducer; minus strand). Cytogenetic location: 5q11.2.
Variant type: single nucleotide variant.
Coding change: c.52A>G on transcript NM_002184.4 (MANE Select); coding-DNA position 52, A replaced by G.
Protein change: p.Thr18Ala; replaces threonine 18 with alanine.
Molecular consequence: missense variant. On other transcripts: 5 prime UTR variant (3), non-coding transcript variant (2).
Genome position (GRCh38, 1-based): chr5:55,976,227, T>C on the plus strand (A>G on the coding strand, the complement: IL6ST is on the minus strand). VCF-style: chr5-55976227-T-C. GRCh37 (hg19) VCF-style: chr5-55272055-T-C.
Other names: c.52A>G (NM_002184.3); c.52A>G, p.Thr18Ala (NM_001190981.2, NM_001364275.2, NM_001364276.2 and 1 more transcripts); c.-741A>G (NM_001364277.2, NM_001364279.2); c.-731A>G (NM_001364278.2); short protein forms T18A.
Identifiers: ClinVar variation 2182861 (VCV002182861.5), dbSNP rs781455079, ClinGen allele CA3271786.